The following is an entry in ClinVar:

ClinVar aggregate classification (germline): Likely pathogenic (1 of 4 stars; one submission).

Conditions:
Episodic ataxia type 2 (EA2). Also called: ATAXIA, EPISODIC, WITH NYSTAGMUS; ATAXIA, FAMILIAL PAROXYSMAL; ACETAZOLAMIDE-RESPONSIVE HEREDITARY PAROXYSMAL CEREBELLAR ATAXIA; CEREBELLAR ATAXIA, PAROXYSMAL, ACETAZOLAMIDE-RESPONSIVE; CEREBELLOPATHY, HEREDITARY PAROXYSMAL; EPISODIC ATAXIA, NYSTAGMUS-ASSOCIATED. Identifiers: Orphanet 97, MedGen C1720416, MONDO:0007163, OMIM 108500.
Developmental and epileptic encephalopathy, 42 (DEE42A). Also called: Epileptic encephalopathy, early infantile, 42; DEVELOPMENTAL AND EPILEPTIC ENCEPHALOPATHY 42A; EPILEPTIC ENCEPHALOPATHY, EARLY INFANTILE, 42A. Identifiers: MedGen C4310716, MONDO:0014917, OMIM 617106.

Submission:

Labcorp Genetics (formerly Invitae), Labcorp
Classification: Likely pathogenic for Developmental and epileptic encephalopathy, 42; Episodic ataxia type 2. Last evaluated: 2024-03-01. Review status: criteria provided, single submitter. Criteria: Invitae Variant Classification Sherloc (09022015). Collection method: clinical testing. Allele origin: germline.
Comment: This sequence change affects a donor splice site in intron 35 of the CACNA1A gene. It is expected to disrupt RNA splicing. Variants that disrupt the donor or acceptor splice site typically lead to a loss of protein function (PMID: 16199547), and loss-of-function variants in CACNA1A are known to be pathogenic (PMID: 10371528, 19486177, 25735478, 27250579). This variant is not present in population databases (gnomAD no frequency). This variant has not been reported in the literature in individuals affected with CACNA1A-related conditions. Algorithms developed to predict the effect of sequence changes on RNA splicing suggest that this variant may disrupt the consensus splice site. In summary, the currently available evidence indicates that the variant is pathogenic, but additional data are needed to prove that conclusively. Therefore, this variant has been classified as Likely Pathogenic.

Literature cited by the submitters: PubMed 16199547; PubMed 10371528; PubMed 19486177; PubMed 25735478; PubMed 27250579.

NM_001127222.2(CACNA1A):c.5400+1G>T

Gene: CACNA1A (calcium voltage-gated channel subunit alpha1 A; minus strand). Cytogenetic location: 19p13.13.
Variant type: single nucleotide variant.
Coding change: c.5400+1G>T on transcript NM_001127222.2 (MANE Select); the canonical splice donor site of the intron after coding-DNA position 5400, G replaced by T.
Molecular consequence: splice donor variant.
Genome position (GRCh38, 1-based): chr19:13,231,709, C>A on the plus strand (G>T on the coding strand, the complement: CACNA1A is on the minus strand). VCF-style: chr19-13231709-C-A. GRCh37 (hg19) VCF-style: chr19-13342523-C-A.
Other names: c.5403+1G>T (NM_001127221.2); c.5409+1G>T (NM_001174080.2); c.5418+1G>T (NM_000068.4, NM_023035.3).
Identifiers: ClinVar variation 3755052 (VCV003755052.2).